The following is an entry in ClinVar:

NC_000011.10:g.8038963G>T

Gene: TUB (TUB bipartite transcription factor; plus strand). Cytogenetic location: 11p15.4.
Variant type: single nucleotide variant.
Molecular consequence: missense variant (on NM_003320.5). On other transcripts: intron variant (4).
Genome position: GRCh38 VCF-style: chr11-8038963-G-T. GRCh37 (hg19) VCF-style: chr11-8060510-G-T.
Other names: c.90G>T, p.Met30Ile (NM_003320.5); c.56+19605G>T (NM_001440538.1, NM_001440539.1, NM_001440540.1 and 1 more transcripts); short protein forms M30I.
Identifiers: ClinVar variation 1974253 (VCV001974253.4), dbSNP rs759607555, ClinGen allele CA5870809.

ClinVar aggregate classification (germline): Uncertain significance (1 of 4 stars; one submission).

Allele frequency attached by ClinVar (database versions not stated): gnomAD exomes below 0.00001; ExAC 0.00001.
gnomAD v4.1: 2 of 1,614,048 alleles (0.00012%); highest among the groups gnomAD compares: Non-Finnish European, 0.00017%; no homozygotes.

Submission:

Labcorp Genetics (formerly Invitae), Labcorp
Classification: Uncertain significance. Last evaluated: 2024-01-19. Review status: criteria provided, single submitter. Criteria: Invitae Variant Classification Sherloc (09022015). Collection method: clinical testing. Allele origin: germline.
Comment: This sequence change replaces methionine, which is neutral and non-polar, with isoleucine, which is neutral and non-polar, at codon 30 of the TUB protein (p.Met30Ile). This variant is present in population databases (rs759607555, gnomAD 0.002%). This variant has not been reported in the literature in individuals affected with TUB-related conditions. ClinVar contains an entry for this variant (Variation ID: 1974253). An algorithm developed to predict the effect of missense changes on protein structure and function (PolyPhen-2) suggests that this variant¬†is likely to be tolerated. In summary, the available evidence is currently insufficient to determine the role of this variant in disease. Therefore, it has been classified as a Variant of Uncertain Significance.